The following is an entry in ClinVar:

ClinVar aggregate classification (germline): Uncertain significance (1 of 4 stars; one submission).

gnomAD v4.1: 5 of 1,613,926 alleles (0.00031%); highest among the groups gnomAD compares: Non-Finnish European, 0.00042%; no homozygotes.

Submission:

Labcorp Genetics (formerly Invitae), Labcorp
Classification: Uncertain significance. Last evaluated: 2024-12-22. Review status: criteria provided, single submitter. Criteria: Invitae Variant Classification Sherloc (09022015). Collection method: clinical testing. Allele origin: germline.
Comment: This sequence change affects codon 349 of the CTR9 mRNA. It is a 'silent' change, meaning that it does not change the encoded amino acid sequence of the CTR9 protein. This variant is present in population databases (no rsID available, gnomAD 0.007%). This variant has not been reported in the literature in individuals affected with CTR9-related conditions. Algorithms developed to predict the effect of sequence changes on RNA splicing suggest that this variant may create or strengthen a splice site. In summary, the available evidence is currently insufficient to determine the role of this variant in disease. Therefore, it has been classified as a Variant of Uncertain Significance.

NM_014633.5(CTR9):c.1047A>G (p.Gln349=)

Gene: CTR9 (CTR9 component of Paf1/RNA polymerase II complex; plus strand). Cytogenetic location: 11p15.4.
Variant type: single nucleotide variant.
Coding change: c.1047A>G on transcript NM_014633.5 (MANE Select); coding-DNA position 1047, A replaced by G.
Protein change: p.Gln349=; no amino-acid change (glutamine 349 retained).
Molecular consequence: synonymous variant.
Genome position (GRCh38, 1-based): chr11:10,763,732, A>G. VCF-style: chr11-10763732-A-G. GRCh37 (hg19) VCF-style: chr11-10785279-A-G.
Other names: c.1047A>G, p.Gln349= (NM_001346279.2).
Identifiers: ClinVar variation 3714588 (VCV003714588.2).